The following is an entry in ClinVar:

NM_006158.5(NEFL):c.1512A>T (p.Glu504Asp)

Gene: NEFL (neurofilament light chain; minus strand). Cytogenetic location: 8p21.2.
Variant type: single nucleotide variant.
Coding change: c.1512A>T on transcript NM_006158.5 (MANE Select); coding-DNA position 1512, A replaced by T.
Protein change: p.Glu504Asp; replaces glutamic acid 504 with aspartic acid.
Molecular consequence: missense variant.
Genome position (GRCh38, 1-based): chr8:24,952,930, T>A on the plus strand (A>T on the coding strand, the complement: NEFL is on the minus strand). VCF-style: chr8-24952930-T-A. GRCh37 (hg19) VCF-style: chr8-24810443-T-A.
Other names: short protein forms E504D.
Identifiers: ClinVar variation 1516175 (VCV001516175.6), dbSNP rs2117250817, ClinGen allele CA370619742.

ClinVar aggregate classification (germline): Uncertain significance (1 of 4 stars; one submission).

Conditions:
Charcot-Marie-Tooth disease type 2E (CMT2E). Also called: CHARCOT-MARIE-TOOTH NEUROPATHY, TYPE 2E; CHARCOT-MARIE-TOOTH DISEASE, AXONAL, TYPE 2E. Identifiers: Orphanet 99939, MedGen C1843225, MONDO:0011894, OMIM 607684.

Allele frequency attached by ClinVar (database versions not stated): gnomAD exomes below 0.00001.
gnomAD v4.1: 2 of 1,612,140 alleles (0.00012%); highest among the groups gnomAD compares: Non-Finnish European, 0.00017%; no homozygotes.

Submission:

Labcorp Genetics (formerly Invitae), Labcorp
Classification: Uncertain significance for Charcot-Marie-Tooth disease type 2E. Last evaluated: 2022-03-17. Review status: criteria provided, single submitter. Criteria: Invitae Variant Classification Sherloc (09022015). Collection method: clinical testing. Allele origin: germline.
Comment: Experimental studies and prediction algorithms are not available or were not evaluated, and the functional significance of this variant is currently unknown. In summary, the available evidence is currently insufficient to determine the role of this variant in disease. Therefore, it has been classified as a Variant of Uncertain Significance. This variant has not been reported in the literature in individuals affected with NEFL-related conditions. This variant is not present in population databases (gnomAD no frequency). This sequence change replaces glutamic acid, which is acidic and polar, with aspartic acid, which is acidic and polar, at codon 504 of the NEFL protein (p.Glu504Asp).